The following is an entry in ClinVar:

ClinVar aggregate classification (germline): Likely pathogenic. Review status: criteria provided, multiple submitters, no conflicts (2 of 4 stars). 2 submissions from 2 submitters: Likely pathogenic (2). Last evaluated 2024-06-13.

Conditions:
Marfan Syndrome/Loeys-Dietz Syndrome/Familial Thoracic Aortic Aneurysms and Dissections. Identifiers: MedGen CN229799.
FBN1-related disorder. Also called: FBN1-related disorders.

Submissions (2):

Blueprint Genetics
Classification: Likely pathogenic for FBN1-related disorders. Last evaluated: 2024-06-13. Review status: criteria provided, single submitter. Criteria: ACMG Guidelines, 2015. Collection method: clinical testing. Allele origin: germline. Affected: yes. Observed: 3 variant alleles.

Women's Health and Genetics/Laboratory Corporation of America, LabCorp
Classification: Likely pathogenic for Marfan Syndrome/Loeys-Dietz Syndrome/Familial Thoracic Aortic Aneurysms and Dissections. Last evaluated: 2023-06-30. Review status: criteria provided, single submitter. Criteria: LabCorp Variant Classification Summary - May 2015. Collection method: clinical testing. Allele origin: germline.
Comment: Variant summary: FBN1 c.556T>C (p.Cys186Arg) results in a non-conservative amino acid change located in the TB domain (IPR017878) of the encoded protein sequence. Five of five in-silico tools predict a damaging effect of the variant on protein function. "The sulfhydryl group of cysteine is unique in its ability to participate in disulfide covalent cross-linkage. In fact, two-thirds of fibrillin cysteine residues exist in the half-cystinyl form, suggesting their participation in intramolecular disulfide linkage (Dietz_1992)". Therefore, the substitution of a cysteine may disrupt the structure of the FBN1 protein, affecting its function. The variant was absent in 251422 control chromosomes. c.556T>C has been reported in the literature in a son with aortic root aneurysm and his mother with aortic intramural hematoma (Brahmandam_2021). To our knowledge, no experimental evidence demonstrating an impact on protein function has been reported. The following publications have been ascertained in the context of this evaluation (PMID: 1569206, 27906200, 34318135). No submitters have cited clinical-significance assessments for this variant to ClinVar after 2014. Based on the evidence outlined above, the variant was classified as likely pathogenic.

Literature cited by the submitters: PubMed 1569206 (cited by Women's Health and Genetics/Laboratory Corporation of America, LabCorp); PubMed 27906200 (cited by Women's Health and Genetics/Laboratory Corporation of America, LabCorp); PubMed 34318135 (cited by Women's Health and Genetics/Laboratory Corporation of America, LabCorp).

NM_000138.5(FBN1):c.556T>C (p.Cys186Arg)

Gene: FBN1 (fibrillin 1; minus strand). Cytogenetic location: 15q21.1.
Variant type: single nucleotide variant.
Coding change: c.556T>C on transcript NM_000138.5 (MANE Select); coding-DNA position 556, T replaced by C.
Protein change: p.Cys186Arg; replaces cysteine 186 with arginine.
Molecular consequence: missense variant.
Genome position (GRCh38, 1-based): chr15:48,537,791, A>G on the plus strand (T>C on the coding strand, the complement: FBN1 is on the minus strand). VCF-style: chr15-48537791-A-G. GRCh37 (hg19) VCF-style: chr15-48829988-A-G.
Other names: short protein forms C186R.
Identifiers: ClinVar variation 36091 (VCV000036091.4), dbSNP rs193922215, ClinGen allele CA015898.